The following is an entry in ClinVar:

NM_002913.5(RFC1):c.2073G>C (p.Glu691Asp)

Gene: RFC1 (replication factor C subunit 1; minus strand). Cytogenetic location: 4p14.
Variant type: single nucleotide variant.
Coding change: c.2073G>C on transcript NM_002913.5 (MANE Select); coding-DNA position 2073, G replaced by C.
Protein change: p.Glu691Asp; replaces glutamic acid 691 with aspartic acid.
Molecular consequence: missense variant.
Genome position (GRCh38, 1-based): chr4:39,304,851, C>G on the plus strand (G>C on the coding strand, the complement: RFC1 is on the minus strand). VCF-style: chr4-39304851-C-G. GRCh37 (hg19) VCF-style: chr4-39306471-C-G.
Other names: c.2076G>C, p.Glu692Asp (NM_001204747.2); c.1995G>C, p.Glu665Asp (NM_001363495.2); c.1998G>C, p.Glu666Asp (NM_001363496.2); short protein forms E665D, E691D, E666D, E692D.
Identifiers: ClinVar variation 785086 (VCV000785086.6), dbSNP rs11932767, ClinGen allele CA2892950.

ClinVar aggregate classification (germline): Benign. Review status: criteria provided, multiple submitters, no conflicts (2 of 4 stars). 3 submissions from 3 submitters: Benign (2). 1 of the submissions does not count toward it. Last evaluated 2018-03-29.

Conditions:
RFC1-related disorder. Also called: RFC1-Related Disorders; RFC1-related condition. Identifiers: MedGen CN382339.

Allele frequency attached by ClinVar (database versions not stated): gnomAD exomes 0.00434; ExAC 0.00510; 1000 Genomes Project 0.01677; gnomAD 0.01684 and 0.01839; 1000 Genomes Project 30x 0.01780; ESP Exome Variant Server 0.01915; TOPMed 0.01940.
gnomAD v4.1: 5,187 of 1,612,826 alleles (0.32%); highest among the groups gnomAD compares: African/African-American, 5.8%; 127 homozygotes.

Submissions (3):

Labcorp Genetics (formerly Invitae), Labcorp
Classification: Benign. Last evaluated: 2018-03-29. Review status: criteria provided, single submitter. Criteria: Invitae Variant Classification Sherloc (09022015). Collection method: clinical testing. Allele origin: germline.

Breakthrough Genomics
Classification: Benign. Review status: criteria provided, single submitter. Criteria: ACMG Guidelines, 2015. Collection method: not provided. Allele origin: germline. Inheritance: Autosomal recessive inheritance. Affected: yes.

PreventionGenetics, part of Exact Sciences
Classification: Benign for RFC1-related condition. Last evaluated: 2019-11-12. Review status: no assertion criteria provided. Collection method: clinical testing. Allele origin: germline. Not counted in ClinVar's aggregate classification.
Comment: This variant is classified as benign based on ACMG/AMP sequence variant interpretation guidelines (Richards et al. 2015 PMID: 25741868, with internal and published modifications).